The following is an entry in ClinVar:

ClinVar aggregate classification (germline): Uncertain significance (1 of 4 stars; one submission).

Conditions:
Gorlin syndrome. Also called: Nevoid Basal Cell Carcinoma Syndrome; Basal cell nevus syndrome. Identifiers: Orphanet 377, MedGen C0004779, MONDO:0007187.

Submission:

Labcorp Genetics (formerly Invitae), Labcorp
Classification: Uncertain significance for Gorlin syndrome. Last evaluated: 2021-05-09. Review status: criteria provided, single submitter. Criteria: Invitae Variant Classification Sherloc (09022015). Collection method: clinical testing. Allele origin: germline.
Comment: In summary, the available evidence is currently insufficient to determine the role of this variant in disease. Therefore, it has been classified as a Variant of Uncertain Significance. Algorithms developed to predict the effect of sequence changes on RNA splicing suggest that this variant may create or strengthen a splice site, but this prediction has not been confirmed by published transcriptional studies. Advanced modeling of protein sequence and biophysical properties (such as structural, functional, and spatial information, amino acid conservation, physicochemical variation, residue mobility, and thermodynamic stability) performed at Invitae indicates that this missense variant is not expected to disrupt PTCH1 protein function. This variant has not been reported in the literature in individuals with PTCH1-related conditions. This variant is not present in population databases (ExAC no frequency). This sequence change replaces threonine with serine at codon 423 of the PTCH1 protein (p.Thr423Ser). The threonine residue is moderately conserved and there is a small physicochemical difference between threonine and serine.

NM_000264.5(PTCH1):c.1268C>G (p.Thr423Ser)

Gene: PTCH1 (patched 1; minus strand). Cytogenetic location: 9q22.32.
Variant type: single nucleotide variant.
Coding change: c.1268C>G on transcript NM_000264.5 (MANE Select); coding-DNA position 1268, C replaced by G.
Protein change: p.Thr423Ser; replaces threonine 423 with serine.
Molecular consequence: missense variant. On other transcripts: non-coding transcript variant (1).
Genome position (GRCh38, 1-based): chr9:95,478,134, G>C on the plus strand (C>G on the coding strand, the complement: PTCH1 is on the minus strand). VCF-style: chr9-95478134-G-C. GRCh37 (hg19) VCF-style: chr9-98240416-G-C.
Other names: c.1070C>G, p.Thr357Ser (NM_001083602.3); c.1265C>G, p.Thr422Ser (NM_001083603.3); c.815C>G, p.Thr272Ser (NM_001083604.3, NM_001083605.3, NM_001083606.3 and 1 more transcripts); c.1268C>G, p.Thr423Ser (NM_001354918.2); short protein forms T422S, T357S, T272S, T423S.
Identifiers: ClinVar variation 1394224 (VCV001394224.8), dbSNP rs1841228090, ClinGen allele CA374118861.